The following is an entry in ClinVar:

NM_032119.4(ADGRV1):c.18001A>T (p.Met6001Leu)

Gene: ADGRV1 (adhesion G protein-coupled receptor V1; plus strand). Cytogenetic location: 5q14.3.
Variant type: single nucleotide variant.
Coding change: c.18001A>T on transcript NM_032119.4 (MANE Select); coding-DNA position 18001, A replaced by T.
Protein change: p.Met6001Leu; replaces methionine 6001 with leucine.
Molecular consequence: missense variant. On other transcripts: non-coding transcript variant (1).
Genome position (GRCh38, 1-based): chr5:90,985,371, A>T. VCF-style: chr5-90985371-A-T. GRCh37 (hg19) VCF-style: chr5-90281188-A-T.
Other names: short protein forms M6001L.
Identifiers: ClinVar variation 504588 (VCV000504588.22), dbSNP rs200530343, ClinGen allele CA3342536.

ClinVar aggregate classification (germline): Conflicting classifications of pathogenicity. Review status: criteria provided, conflicting classifications (1 of 4 stars). 8 submissions from 8 submitters: Uncertain significance (6); Likely benign (1). 1 of the submissions does not count toward it. Last evaluated 2026-05-27.

Conditions:
Inborn genetic diseases. Identifiers: MedGen C0950123, MeSH D030342.
Febrile seizures, familial, 4 (FEB4). Also called: CONVULSIONS, FAMILIAL FEBRILE, 4. Identifiers: MedGen C1858493, MONDO:0011443, OMIM 604352.
Usher syndrome type 2C. Also called: Usher syndrome, type 2B; USHER SYNDROME, TYPE IIC. Identifiers: Orphanet 231178, Orphanet 886, MedGen C2931213, MONDO:0011558, OMIM 605472.
ADGRV1-related disorder. Also called: ADGRV1-related disorders; ADGRV1-related condition.

Allele frequency attached by ClinVar (database versions not stated): gnomAD exomes 0.00007 and 0.00026; ExAC 0.00008; TOPMed 0.00009; gnomAD 0.00010; ESP Exome Variant Server 0.00016.
gnomAD v4.1: 381 of 1,612,866 alleles (0.024%); highest among the groups gnomAD compares: Non-Finnish European, 0.031%; no homozygotes.

Submissions (8):

Ambry Genetics
Classification: Uncertain significance for Inborn genetic diseases. Last evaluated: 2026-05-27. Review status: criteria provided, single submitter. Criteria: Ambry Variant Classification Scheme 2023. Collection method: clinical testing. Allele origin: germline.

Labcorp Genetics (formerly Invitae), Labcorp
Classification: Likely benign. Last evaluated: 2026-01-18. Review status: criteria provided, single submitter. Criteria: Invitae Variant Classification Sherloc (09022015). Collection method: clinical testing. Allele origin: germline.

GeneDx
Classification: Uncertain significance. Last evaluated: 2025-01-08. Review status: criteria provided, single submitter. Criteria: GeneDx Variant Classification Process June 2021. Collection method: clinical testing. Allele origin: germline. Affected: yes.
Comment: In silico analysis indicates that this missense variant does not alter protein structure/function; Has not been previously published as pathogenic or benign to our knowledge

Blueprint Genetics
Classification: Uncertain significance. Last evaluated: 2024-11-14. Review status: criteria provided, single submitter. Criteria: ACMG Guidelines, 2015. Collection method: clinical testing. Allele origin: germline.

Fulgent Genetics
Classification: Uncertain significance for Febrile seizures, familial, 4; Usher syndrome type 2C. Last evaluated: 2022-03-18. Review status: criteria provided, single submitter. Criteria: ACMG Guidelines, 2015. Collection method: clinical testing. Allele origin: unknown.

Illumina Laboratory Services, Illumina
Classification: Uncertain significance for Usher syndrome type 2C. Last evaluated: 2018-01-12. Review status: criteria provided, single submitter. Criteria: ICSL Variant Classification Criteria 13 December 2019. Collection method: clinical testing. Allele origin: germline.

Laboratory for Molecular Medicine, Mass General Brigham Personalized Medicine
Classification: Uncertain significance. Last evaluated: 2016-11-17. Review status: criteria provided, single submitter. Criteria: LMM Criteria. Collection method: clinical testing. Allele origin: germline. Observed: 3 variant alleles.
Comment: The p.Met6001Leu variant in GPR98 has not been previously reported in individual s with hearing loss or Usher syndrome. This variant has been identified in 7/61 554 European and 2/9336 African chromosomes by the Exome Aggregation Consortium (ExAC; dbSNP rs200530343); however, its frequenc y is not high enough to rule out a pathogenic role. Computational prediction too ls and conservation analysis do not provide strong support for or against an imp act to the protein. In summary, the clinical significance of the p.Met6001Leu va riant is uncertain.

PreventionGenetics, part of Exact Sciences
Classification: Uncertain significance for ADGRV1-related condition. Last evaluated: 2024-09-10. Review status: no assertion criteria provided. Collection method: clinical testing. Allele origin: germline. Not counted in ClinVar's aggregate classification.
Comment: The ADGRV1 c.18001A>T variant is predicted to result in the amino acid substitution p.Met6001Leu. To our knowledge, this variant has not been reported in the literature. This variant is reported in 0.013% of alleles in individuals of European (Non-Finnish) descent in gnomAD. At this time, the clinical significance of this variant is uncertain due to the absence of conclusive functional and genetic evidence.